The following is an entry in ClinVar:

ClinVar aggregate classification (germline): Uncertain significance (1 of 4 stars; one submission).

Submission:

Ambry Genetics
Classification: Uncertain significance. Last evaluated: 2021-05-07. Review status: criteria provided, single submitter. Criteria: Ambry Variant Classification Scheme 2023. Collection method: clinical testing. Allele origin: germline.
Comment: The p.T262I variant (also known as c.785C>T), located in coding exon 1 of the MLH3 gene, results from a C to T substitution at nucleotide position 785. The threonine at codon 262 is replaced by isoleucine, an amino acid with similar properties. This amino acid position is highly conserved in available vertebrate species. In addition, this alteration is predicted to be deleterious by in silico analysis. Since supporting evidence is limited at this time, the clinical significance of this alteration remains unclear.

NM_001040108.2(MLH3):c.785C>T (p.Thr262Ile)

Gene: MLH3 (mutL homolog 3; minus strand). Cytogenetic location: 14q24.3.
Variant type: single nucleotide variant.
Coding change: c.785C>T on transcript NM_001040108.2 (MANE Select); coding-DNA position 785, C replaced by T.
Protein change: p.Thr262Ile; replaces threonine 262 with isoleucine.
Molecular consequence: missense variant.
Genome position (GRCh38, 1-based): chr14:75,048,871, G>A on the plus strand (C>T on the coding strand, the complement: MLH3 is on the minus strand). VCF-style: chr14-75048871-G-A. GRCh37 (hg19) VCF-style: chr14-75515574-G-A.
Other names: c.785C>T, p.Thr262Ile (NM_014381.3); short protein forms T262I.
Identifiers: ClinVar variation 1760915 (VCV001760915.2), dbSNP rs1347833430, ClinGen allele CA390449076.